The following is an entry in ClinVar:

ClinVar aggregate classification (germline): Uncertain significance (1 of 4 stars; one submission).

Conditions:
Developmental and epileptic encephalopathy, 8 (DEE8). Also called: HYPEREKPLEXIA AND EPILEPSY. Identifiers: Orphanet 163985, Orphanet 2076, MedGen C1845102, MONDO:0010375, OMIM 300607.

Submission:

Labcorp Genetics (formerly Invitae), Labcorp
Classification: Uncertain significance for Developmental and epileptic encephalopathy, 8. Last evaluated: 2022-04-06. Review status: criteria provided, single submitter. Criteria: Invitae Variant Classification Sherloc (09022015). Collection method: clinical testing. Allele origin: germline.
Comment: A copy number gain of the genomic region encompassing the full coding sequence of the ARHGEF9 gene has been identified. The boundaries of this event are unknown as they extend beyond the assayed region for this gene and therefore may encompass additional genes. As the precise location of this event is unknown, it may be in tandem or it may be located elsewhere in the genome. This variant has not been reported in the literature in individuals affected with ARHGEF9-related conditions. In summary, the available evidence is currently insufficient to determine the role of this variant in disease. Therefore, it has been classified as a Variant of Uncertain Significance.

NC_000023.10:g.(?_62857908)_(64196257_?)dup

Genes: ARHGEF9 (Cdc42 guanine nucleotide exchange factor 9; minus strand), MTMR8 (myotubularin related protein 8; minus strand), ZC4H2 (zinc finger C4H2-type containing; minus strand), ASB12 (ankyrin repeat and SOCS box containing 12; minus strand), AMER1 (APC membrane recruitment protein 1; minus strand). Cytogenetic location: Xq11.1-11.2.
Variant type: Duplication.
Identifiers: ClinVar variation 2426092 (VCV002426092.2).